The following is an entry in ClinVar:

ClinVar aggregate classification (germline): Uncertain significance (1 of 4 stars; one submission).

Conditions:
Hereditary cancer-predisposing syndrome. Also called: Neoplastic Syndromes, Hereditary; Tumor predisposition; Hereditary neoplastic syndrome; Hereditary Cancer Syndrome. Identifiers: Orphanet 140162, MedGen C0027672, MeSH D009386, MONDO:0015356.

Submission:

Ambry Genetics
Classification: Uncertain significance for Hereditary cancer-predisposing syndrome. Last evaluated: 2025-05-08. Review status: criteria provided, single submitter. Criteria: Ambry Variant Classification Scheme 2023. Collection method: clinical testing. Allele origin: germline.
Comment: The p.V951A variant (also known as c.2852T>C), located in coding exon 21 of the KIT gene, results from a T to C substitution at nucleotide position 2852. The valine at codon 951 is replaced by alanine, an amino acid with similar properties. This amino acid position is conserved. In addition, this alteration is predicted to be tolerated by in silico analysis. Based on the available evidence, the clinical significance of this variant remains unclear.

NM_000222.3(KIT):c.2852T>C (p.Val951Ala)

Gene: KIT (KIT proto-oncogene, receptor tyrosine kinase; plus strand). Cytogenetic location: 4q12.
Variant type: single nucleotide variant.
Coding change: c.2852T>C on transcript NM_000222.3 (MANE Select); coding-DNA position 2852, T replaced by C.
Protein change: p.Val951Ala; replaces valine 951 with alanine.
Molecular consequence: missense variant.
Genome position (GRCh38, 1-based): chr4:54,738,478, T>C. VCF-style: chr4-54738478-T-C. GRCh37 (hg19) VCF-style: chr4-55604644-T-C.
Other names: c.2840T>C, p.Val947Ala (NM_001093772.2, NM_001385292.1); c.2855T>C, p.Val952Ala (NM_001385284.1); c.2849T>C, p.Val950Ala (NM_001385285.1); c.2837T>C, p.Val946Ala (NM_001385286.1); c.2843T>C, p.Val948Ala (NM_001385288.1); c.2852T>C, p.Val951Ala (NM_001385290.1); short protein forms V947A, V950A, V946A, V952A, V948A, V951A.
Identifiers: ClinVar variation 4043762 (VCV004043762.1).
Genomic context (GRCh38, chr4:54,738,478, plus strand): 5'-GTTTTCTCCAGATTTACTCCAACTTAGCAAACTGCAGCCCCAACCGACAGAAGCCCGTGG[T>C]AGACCATTCTGTGCGGATCAATTCTGTCGGCAGCACCGCTTCCTCCTCCCAGCCTCTGCT-3'
Protein context (NP_000213.1, residues 941-961): NCSPNRQKPV[Val951Ala]DHSVRINSVG